The following is an entry in ClinVar:

ClinVar aggregate classification (germline): Uncertain significance. Review status: criteria provided, single submitter (1 of 4 stars). 2 submissions from 2 submitters: Uncertain significance (1). 1 of the submissions does not count toward it. Last evaluated 2022-03-29.

Conditions:
Methylcobalamin deficiency type cblE (HMAE). Also called: HOMOCYSTINURIA-MEGALOBLASTIC ANEMIA, cblE TYPE; HOMOCYSTINURIA-MEGALOBLASTIC ANEMIA, cblE COMPLEMENTATION TYPE; VITAMIN B12-RESPONSIVE HOMOCYSTINURIA, cblE TYPE. Identifiers: Orphanet 2169, Orphanet 622, MedGen C1856057, MONDO:0009354, OMIM 236270.

Allele frequency attached by ClinVar (database versions not stated): gnomAD exomes below 0.00001; gnomAD 0.00001.
gnomAD v4.1: 4 of 1,614,040 alleles (0.00025%); highest among the groups gnomAD compares: South Asian, 0.0022%; no homozygotes.

Submissions (2):

Labcorp Genetics (formerly Invitae), Labcorp
Classification: Uncertain significance for Methylcobalamin deficiency type cblE. Last evaluated: 2022-03-29. Review status: criteria provided, single submitter. Criteria: Invitae Variant Classification Sherloc (09022015). Collection method: clinical testing. Allele origin: germline.
Comment: This sequence change replaces valine, which is neutral and non-polar, with alanine, which is neutral and non-polar, at codon 615 of the MTRR protein (p.Val615Ala). This variant is present in population databases (no rsID available, gnomAD 0.007%). This variant has not been reported in the literature in individuals affected with MTRR-related conditions. ClinVar contains an entry for this variant (Variation ID: 1062891). Algorithms developed to predict the effect of missense changes on protein structure and function output the following: SIFT: "Tolerated"; PolyPhen-2: "Benign"; Align-GVGD: "Class C0". The alanine amino acid residue is found in multiple mammalian species, which suggests that this missense change does not adversely affect protein function. In summary, the available evidence is currently insufficient to determine the role of this variant in disease. Therefore, it has been classified as a Variant of Uncertain Significance.

Natera, Inc.
Classification: Uncertain significance for CblE complementation type homocystinuria-megaloblastic anemia due to defect in cobalamin metabolism. Last evaluated: 2020-03-10. Review status: no assertion criteria provided. Collection method: clinical testing. Allele origin: germline. Not counted in ClinVar's aggregate classification.

NM_002454.3(MTRR):c.1844T>C (p.Val615Ala)

Gene: MTRR (5-methyltetrahydrofolate-homocysteine methyltransferase reductase; plus strand). Cytogenetic location: 5p15.31.
Variant type: single nucleotide variant.
Coding change: c.1844T>C on transcript NM_002454.3 (MANE Select); coding-DNA position 1844, T replaced by C.
Protein change: p.Val615Ala; replaces valine 615 with alanine.
Molecular consequence: missense variant. On other transcripts: non-coding transcript variant (14).
Genome position (GRCh38, 1-based): chr5:7,897,139, T>C. VCF-style: chr5-7897139-T-C. GRCh37 (hg19) VCF-style: chr5-7897252-T-C.
Other names: c.1844T>C, p.Val615Ala (NM_001364441.2, NM_001364442.2, NM_024010.4 and 1 more transcripts); short protein forms V615A.
Identifiers: ClinVar variation 1062891 (VCV001062891.8), dbSNP rs1318949494, ClinGen allele CA359159817.